The following is an entry in ClinVar:

ClinVar aggregate classification (germline): Uncertain significance (1 of 4 stars; one submission).

Conditions:
Dyskeratosis congenita. Identifiers: Orphanet 1775, MedGen C0265965, MONDO:0015780.

Submission:

Labcorp Genetics (formerly Invitae), Labcorp
Classification: Uncertain significance for Dyskeratosis congenita. Last evaluated: 2025-04-14. Review status: criteria provided, single submitter. Criteria: Invitae Variant Classification Sherloc (09022015). Collection method: clinical testing. Allele origin: germline.
Comment: This sequence change replaces valine, which is neutral and non-polar, with leucine, which is neutral and non-polar, at codon 270 of the CTC1 protein (p.Val270Leu). This variant is not present in population databases (gnomAD no frequency). This variant has not been reported in the literature in individuals affected with CTC1-related conditions. ClinVar contains an entry for this variant (Variation ID: 1717878). Invitae Evidence Modeling of protein sequence and biophysical properties (such as structural, functional, and spatial information, amino acid conservation, physicochemical variation, residue mobility, and thermodynamic stability) indicates that this missense variant is expected to disrupt CTC1 protein function with a positive predictive value of 80%. In summary, the available evidence is currently insufficient to determine the role of this variant in disease. Therefore, it has been classified as a Variant of Uncertain Significance.

NM_025099.6(CTC1):c.808G>T (p.Val270Leu)

Gene: CTC1 (CST telomere replication complex component 1; minus strand). Cytogenetic location: 17p13.1.
Variant type: single nucleotide variant.
Coding change: c.808G>T on transcript NM_025099.6 (MANE Select); coding-DNA position 808, G replaced by T.
Protein change: p.Val270Leu; replaces valine 270 with leucine.
Molecular consequence: missense variant. On other transcripts: non-coding transcript variant (1).
Genome position (GRCh38, 1-based): chr17:8,236,327, C>A on the plus strand (G>T on the coding strand, the complement: CTC1 is on the minus strand). VCF-style: chr17-8236327-C-A. GRCh37 (hg19) VCF-style: chr17-8139645-C-A.
Other names: c.808G>T, p.Val270Leu (NM_001411067.1); short protein forms V270L.
Identifiers: ClinVar variation 1717878 (VCV001717878.5), dbSNP rs1567611161, ClinGen allele CA397989166.